The following is an entry in ClinVar:

NM_002693.3(POLG):c.3126G>C (p.Glu1042Asp)

Gene: POLG (DNA polymerase gamma, catalytic subunit; minus strand). Cytogenetic location: 15q26.1.
Variant type: single nucleotide variant.
Coding change: c.3126G>C on transcript NM_002693.3 (MANE Select); coding-DNA position 3126, G replaced by C.
Protein change: p.Glu1042Asp; replaces glutamic acid 1042 with aspartic acid.
Molecular consequence: missense variant.
Genome position (GRCh38, 1-based): chr15:89,319,078, C>G on the plus strand (G>C on the coding strand, the complement: POLG is on the minus strand). VCF-style: chr15-89319078-C-G. GRCh37 (hg19) VCF-style: chr15-89862309-C-G.
Other names: c.3126G>C, p.Glu1042Asp (NM_001126131.2); short protein forms E1042D.
Identifiers: ClinVar variation 3684469 (VCV003684469.2).
Genomic context (GRCh38, chr15:89,319,078, plus strand): 5'-CTCAAGCTTATTGAACATTTCTGACTCTGTGCCCCCCTTCCATGCCCGTTCAGCAACCAC[C>G]TCCCACTTCTTCCACTGTGACCTAAGGGACCAGAAACAGAGGGCAGACTTTGTCTTTCAG-3'
Protein context (NP_002684.1, residues 1032-1052): TARKSQWKKW[Glu1042Asp]VVAERAWKGG

ClinVar aggregate classification (germline): Uncertain significance (1 of 4 stars; one submission).

Conditions:
Progressive sclerosing poliodystrophy (MTDPS4A). Also called: ALPERS PROGRESSIVE INFANTILE POLIODYSTROPHY; NEURONAL DEGENERATION OF CHILDHOOD WITH LIVER DISEASE, PROGRESSIVE; Alpers Syndrome; ALPERS DIFFUSE DEGENERATION OF CEREBRAL GRAY MATTER WITH HEPATIC CIRRHOSIS; Alpers-Huttenlocher Syndrome; Mitochondrial DNA depletion syndrome 4A (Alpers type). Identifiers: Orphanet 726, MedGen C0205710, MONDO:0008758, OMIM 203700.

Submission:

Labcorp Genetics (formerly Invitae), Labcorp
Classification: Uncertain significance for Progressive sclerosing poliodystrophy. Last evaluated: 2024-11-05. Review status: criteria provided, single submitter. Criteria: Invitae Variant Classification Sherloc (09022015). Collection method: clinical testing. Allele origin: germline.
Comment: This sequence change replaces glutamic acid, which is acidic and polar, with aspartic acid, which is acidic and polar, at codon 1042 of the POLG protein (p.Glu1042Asp). This variant is not present in population databases (gnomAD no frequency). This variant has not been reported in the literature in individuals affected with POLG-related conditions. Invitae Evidence Modeling of protein sequence and biophysical properties (such as structural, functional, and spatial information, amino acid conservation, physicochemical variation, residue mobility, and thermodynamic stability) indicates that this missense variant is not expected to disrupt POLG protein function with a negative predictive value of 95%. In summary, the available evidence is currently insufficient to determine the role of this variant in disease. Therefore, it has been classified as a Variant of Uncertain Significance.